The following is an entry in ClinVar:

NM_024529.5(CDC73):c.682G>C (p.Glu228Gln)

Gene: CDC73 (cell division cycle 73; plus strand). Cytogenetic location: 1q31.2.
Variant type: single nucleotide variant.
Coding change: c.682G>C on transcript NM_024529.5 (MANE Select); coding-DNA position 682, G replaced by C.
Protein change: p.Glu228Gln; replaces glutamic acid 228 with glutamine.
Molecular consequence: missense variant.
Genome position (GRCh38, 1-based): chr1:193,142,019, G>C. VCF-style: chr1-193142019-G-C. GRCh37 (hg19) VCF-style: chr1-193111149-G-C.
Other names: short protein forms E228Q.
Identifiers: ClinVar variation 3265062 (VCV003265062.1).

ClinVar aggregate classification (germline): Uncertain significance (1 of 4 stars; one submission).

Conditions:
Hereditary cancer-predisposing syndrome. Also called: Hereditary Cancer Syndrome; Tumor predisposition; Hereditary neoplastic syndrome; Neoplastic Syndromes, Hereditary. Identifiers: Orphanet 140162, MedGen C0027672, MeSH D009386, MONDO:0015356.

Submission:

Ambry Genetics
Classification: Uncertain significance for Hereditary cancer-predisposing syndrome. Last evaluated: 2024-05-19. Review status: criteria provided, single submitter. Criteria: Ambry Variant Classification Scheme 2023. Collection method: clinical testing. Allele origin: germline.
Comment: The p.E228Q variant (also known as c.682G>C), located in coding exon 7 of the CDC73 gene, results from a G to C substitution at nucleotide position 682. The glutamic acid at codon 228 is replaced by glutamine, an amino acid with highly similar properties. This amino acid position is conserved. In addition, this alteration is predicted to be deleterious by in silico analysis. Based on the available evidence, the clinical significance of this variant remains unclear.